The following is an entry in ClinVar:

NM_015338.6(ASXL1):c.701T>G (p.Phe234Cys)

Gene: ASXL1 (ASXL transcriptional regulator 1; plus strand). Cytogenetic location: 20q11.21.
Variant type: single nucleotide variant.
Coding change: c.701T>G on transcript NM_015338.6 (MANE Select); coding-DNA position 701, T replaced by G.
Protein change: p.Phe234Cys; replaces phenylalanine 234 with cysteine.
Molecular consequence: missense variant. On other transcripts: intron variant (1).
Genome position (GRCh38, 1-based): chr20:32,430,036, T>G. VCF-style: chr20-32430036-T-G. GRCh37 (hg19) VCF-style: chr20-31017839-T-G.
Other names: c.535+605T>G (NM_001363734.1); short protein forms F234C.
Identifiers: ClinVar variation 3955334 (VCV003955334.1).

ClinVar aggregate classification (germline): Uncertain significance (1 of 4 stars; one submission).

Conditions:
Inborn genetic diseases. Identifiers: MedGen C0950123, MeSH D030342.

Submission:

Ambry Genetics
Classification: Uncertain significance for Inborn genetic diseases. Last evaluated: 2025-03-28. Review status: criteria provided, single submitter. Criteria: Ambry Variant Classification Scheme 2023. Collection method: clinical testing. Allele origin: germline.
Comment: The p.F234C variant (also known as c.701T>G), located in coding exon 8 of the ASXL1 gene, results from a T to G substitution at nucleotide position 701. The phenylalanine at codon 234 is replaced by cysteine, an amino acid with highly dissimilar properties. This amino acid position is conserved. In addition, this alteration is predicted to be tolerated by in silico analysis. Based on the available evidence, the clinical significance of this variant remains unclear.